The following is an entry in ClinVar:

NM_001193315.2(VIPAS39):c.1455C>A (p.Ser485Arg)

Gene: VIPAS39 (VPS33B interacting protein, apical-basolateral polarity regulator, spe-39 homolog; minus strand). Cytogenetic location: 14q24.3.
Variant type: single nucleotide variant.
Coding change: c.1455C>A on transcript NM_001193315.2 (MANE Select); coding-DNA position 1455, C replaced by A.
Protein change: p.Ser485Arg; replaces serine 485 with arginine.
Molecular consequence: missense variant.
Genome position (GRCh38, 1-based): chr14:77,428,376, G>T on the plus strand (C>A on the coding strand, the complement: VIPAS39 is on the minus strand). VCF-style: chr14-77428376-G-T. GRCh37 (hg19) VCF-style: chr14-77894719-G-T.
Other names: p.Ser485Arg; c.1455C>A, p.Ser485Arg (NM_001193314.2, NM_001193317.2, NM_022067.4); c.1308C>A, p.Ser436Arg (NM_001193316.2); short protein forms S485R, S436R.
Identifiers: ClinVar variation 498683 (VCV000498683.46), dbSNP rs145453157, ClinGen allele CA7287709.

ClinVar aggregate classification (germline): Conflicting classifications of pathogenicity. Review status: criteria provided, conflicting classifications (1 of 4 stars). 7 submissions from 7 submitters: Uncertain significance (2); Benign (1); Likely benign (3). 1 of the submissions does not count toward it. Last evaluated 2026-01-29.

Conditions:
Arthrogryposis, renal dysfunction, and cholestasis 2 (ARCS2). Identifiers: Orphanet 2697, MedGen C3150672, MONDO:0013255, OMIM 613404.
VIPAS39-related disorder. Also called: VIPAS39-related condition.

Allele frequency attached by ClinVar (database versions not stated): 1000 Genomes Project 30x 0.00031; 1000 Genomes Project 0.00040; gnomAD exomes 0.00129; ExAC 0.00141; TOPMed 0.00141; ESP Exome Variant Server 0.00231.
gnomAD v4.1: 3,425 of 1,613,746 alleles (0.21%); highest among the groups gnomAD compares: Non-Finnish European, 0.27%; 10 homozygotes.

Submissions (7):

Labcorp Genetics (formerly Invitae), Labcorp
Classification: Benign. Last evaluated: 2026-01-29. Review status: criteria provided, single submitter. Criteria: Invitae Variant Classification Sherloc (09022015). Collection method: clinical testing. Allele origin: germline.

Women's Health and Genetics/Laboratory Corporation of America, LabCorp
Classification: Likely benign. Last evaluated: 2025-07-21. Review status: criteria provided, single submitter. Criteria: LabCorp Variant Classification Summary - May 2015. Collection method: clinical testing. Allele origin: germline.
Comment: Variant summary: VIPAS39 c.1455C>A (p.Ser485Arg) results in a non-conservative amino acid change in the encoded protein sequence. Algorithms developed to predict the effect of missense changes on protein structure and function are either unavailable or do not agree on the potential impact of this missense change. The variant allele was found at a frequency of 0.0013 in 251124 control chromosomes, predominantly at a frequency of 0.0026 within the Non-Finnish European subpopulation in the gnomAD database, including 1 homozygote. The observed variant frequency within Non-Finnish European control individuals in the gnomAD database exceeds the estimated maximal expected allele frequency for a pathogenic variant in VIPAS39 causing Arthrogryposis, Renal Dysfunction, And Cholestasis 2 phenotype. To our knowledge, no occurrence of c.1455C>A in individuals affected with Arthrogryposis, Renal Dysfunction, And Cholestasis 2 and no experimental evidence demonstrating its impact on protein function have been reported. ClinVar contains an entry for this variant (Variation ID: 498683). Based on the evidence outlined above, the variant was classified as likely benign.

Mayo Clinic Laboratories, Mayo Clinic
Classification: Likely benign. Last evaluated: 2024-10-23. Review status: criteria provided, single submitter. Criteria: ACMG Guidelines, 2015. Collection method: clinical testing. Allele origin: germline. Observed: 8 variant alleles.
Comment: BS2, BP4

CeGaT Center for Human Genetics Tuebingen
Classification: Likely benign. Last evaluated: 2023-03-01. Review status: criteria provided, single submitter. Criteria: CeGaT Center For Human Genetics Tuebingen Variant Classification Criteria Version 2. Collection method: clinical testing. Allele origin: germline. Affected: yes. Observed: 1 variant allele.
Comment: VIPAS39: BP4

Fulgent Genetics
Classification: Uncertain significance for Arthrogryposis, renal dysfunction, and cholestasis 2. Last evaluated: 2018-10-31. Review status: criteria provided, single submitter. Criteria: ACMG Guidelines, 2015. Collection method: clinical testing. Allele origin: unknown.

Eurofins Ntd Llc (ga)
Classification: Uncertain significance. Last evaluated: 2018-02-09. Review status: criteria provided, single submitter. Criteria: EGL ClinVar v180209 classification definitions. Collection method: clinical testing. Allele origin: germline. Observed: 13 variant alleles, 13 heterozygotes.

PreventionGenetics, part of Exact Sciences
Classification: Likely benign for VIPAS39-related condition. Last evaluated: 2022-02-07. Review status: no assertion criteria provided. Collection method: clinical testing. Allele origin: germline. Not counted in ClinVar's aggregate classification.
Comment: This variant is classified as likely benign based on ACMG/AMP sequence variant interpretation guidelines (Richards et al. 2015 PMID: 25741868, with internal and published modifications).